The following is an entry in ClinVar:

ClinVar aggregate classification (germline): Likely benign. Review status: criteria provided, single submitter (1 of 4 stars). 2 submissions from 2 submitters: Likely benign (1). 1 of the submissions does not count toward it. Last evaluated 2025-06-12.

Conditions:
MAGI2-related disorder. Also called: MAGI2-related condition.

gnomAD v4.1: 21 of 1,601,566 alleles (0.0013%); highest among the groups gnomAD compares: African/African-American, 0.024%; no homozygotes.

Submissions (2):

Labcorp Genetics (formerly Invitae), Labcorp
Classification: Likely benign. Last evaluated: 2025-06-12. Review status: criteria provided, single submitter. Criteria: Invitae Variant Classification Sherloc (09022015). Collection method: clinical testing. Allele origin: germline.

PreventionGenetics, part of Exact Sciences
Classification: Likely benign for MAGI2-related condition. Last evaluated: 2024-03-06. Review status: no assertion criteria provided. Collection method: clinical testing. Allele origin: germline. Not counted in ClinVar's aggregate classification.
Comment: This variant is classified as likely benign based on ACMG/AMP sequence variant interpretation guidelines (Richards et al. 2015 PMID: 25741868, with internal and published modifications).

NM_012301.4(MAGI2):c.1095T>C (p.Tyr365=)

Gene: MAGI2 (membrane associated guanylate kinase, WW and PDZ domain containing 2; minus strand). Cytogenetic location: 7q21.11.
Variant type: single nucleotide variant.
Coding change: c.1095T>C on transcript NM_012301.4 (MANE Select); coding-DNA position 1095, T replaced by C.
Protein change: p.Tyr365=; no amino-acid change (tyrosine 365 retained).
Molecular consequence: synonymous variant.
Genome position (GRCh38, 1-based): chr7:78,369,164, A>G on the plus strand (T>C on the coding strand, the complement: MAGI2 is on the minus strand). VCF-style: chr7-78369164-A-G. GRCh37 (hg19) VCF-style: chr7-77998481-A-G.
Other names: c.1095T>C, p.Tyr365= (NM_001301128.2).
Identifiers: ClinVar variation 3358775 (VCV003358775.3).